The following is an entry in ClinVar:

ClinVar aggregate classification (germline): Benign/Likely benign. Review status: criteria provided, multiple submitters, no conflicts (2 of 4 stars). 2 submissions from 2 submitters: Benign (1); Likely benign (1). Last evaluated 2019-03-29.

Conditions:
Pterin-4 alpha-carbinolamine dehydratase 1 deficiency. Also called: Hyperphenylalaninemia due to dehydratase deficiency; CADH DEFICIENCY; HYPERPHENYLALANINEMIA WITH PRIMAPTERINURIA; HYPERPHENYLALANINEMIA, TETRAHYDROBIOPTERIN-DEFICIENT, DUE TO PTERIN-4-ALPHA-CARBINOLAMINE DEHYDRATASE DEFICIENCY. Identifiers: Orphanet 1578, Orphanet 238583, MedGen C1849700, MONDO:0009908, OMIM 264070.

Allele frequency attached by ClinVar (database versions not stated): 1000 Genomes Project 0.00759; 1000 Genomes Project 30x 0.00890; TOPMed 0.01411; gnomAD 0.01796.
gnomAD v4.1: 27,597 of 1,358,168 alleles (2%); highest among the groups gnomAD compares: Non-Finnish European, 2.3%; 325 homozygotes.

Submissions (2):

GeneDx
Classification: Likely benign. Last evaluated: 2019-03-29. Review status: criteria provided, single submitter. Criteria: GeneDx Variant Classification Process June 2021. Collection method: clinical testing. Allele origin: germline. Affected: yes.

Illumina Laboratory Services, Illumina
Classification: Benign for Pterin-4 alpha-carbinolamine dehydratase 1 deficiency. Last evaluated: 2018-01-12. Review status: criteria provided, single submitter. Criteria: ICSL Variant Classification Criteria 13 December 2019. Collection method: clinical testing. Allele origin: germline.
Comment: This variant was observed in the ICSL laboratory as part of a predisposition screen in an ostensibly healthy population. It had not been previously curated by ICSL or reported in the Human Gene Mutation Database (HGMD: prior to June 1st, 2018), and was therefore a candidate for classification through an automated scoring system. Utilizing variant allele frequency, disease prevalence and penetrance estimates, and inheritance mode, an automated score was calculated to assess if this variant is too frequent to cause the disease. Based on the score and internal cut-off values, a variant classified as benign is not then subjected to further curation. The score for this variant resulted in a classification of benign for this disease.

NM_000281.4(PCBD1):c.*253T>A

Gene: PCBD1 (pterin-4 alpha-carbinolamine dehydratase 1; minus strand). Cytogenetic location: 10q22.1.
Variant type: single nucleotide variant.
Coding change: c.*253T>A on transcript NM_000281.4 (MANE Select); 253 bases downstream of the stop codon, T replaced by A.
Molecular consequence: 3 prime UTR variant. On other transcripts: intron variant (1).
Genome position (GRCh38, 1-based): chr10:70,883,697, A>T on the plus strand (T>A on the coding strand, the complement: PCBD1 is on the minus strand). VCF-style: chr10-70883697-A-T. GRCh37 (hg19) VCF-style: chr10-72643454-A-T.
Other names: c.*253T>A (NM_001289797.2); c.217-1212T>A (NM_001323004.2).
Identifiers: ClinVar variation 300342 (VCV000300342.8), dbSNP rs77029400, ClinGen allele CA10636055.
Genomic context (GRCh38, chr10:70,883,697, plus strand): 5'-TGAATTAGGGAGCAAGAGACGGCCTGGCAAGAAAATCATTATTGTTGCTGGGAAGTTGCA[A>T]AGAAAGGGGAGAGTTTATTCAAATTAGTGTAACAGAGCCCCCAGGATGAAGAGAGTGGTG-3'